The following is an entry in ClinVar:

ClinVar aggregate classification (germline): Uncertain significance (1 of 4 stars; one submission).

Allele frequency attached by ClinVar (database versions not stated): TOPMed below 0.00001.
gnomAD v4.1: 1 of 1,605,700 alleles (0.000062%); no homozygotes.

Submission:

Labcorp Genetics (formerly Invitae), Labcorp
Classification: Uncertain significance. Last evaluated: 2022-02-25. Review status: criteria provided, single submitter. Criteria: Invitae Variant Classification Sherloc (09022015). Collection method: clinical testing. Allele origin: germline.
Comment: In summary, the available evidence is currently insufficient to determine the role of this variant in disease. Therefore, it has been classified as a Variant of Uncertain Significance. Algorithms developed to predict the effect of sequence changes on RNA splicing suggest that this variant may create or strengthen a splice site. This variant has not been reported in the literature in individuals affected with KMT2A-related conditions. This variant is not present in population databases (gnomAD no frequency). This sequence change falls in intron 5 of the KMT2A gene. It does not directly change the encoded amino acid sequence of the KMT2A protein.

NM_001197104.2(KMT2A):c.3569+7G>A

Gene: KMT2A (lysine methyltransferase 2A; plus strand). Cytogenetic location: 11q23.3.
Variant type: single nucleotide variant.
Coding change: c.3569+7G>A on transcript NM_001197104.2 (MANE Select); 7 bases into the intron after coding-DNA position 3569, G replaced by A.
Molecular consequence: intron variant.
Genome position (GRCh38, 1-based): chr11:118,478,208, G>A. VCF-style: chr11-118478208-G-A. GRCh37 (hg19) VCF-style: chr11-118348923-G-A.
Other names: c.3569+7G>A (NM_005933.4).
Identifiers: ClinVar variation 2103506 (VCV002103506.4), dbSNP rs1159652535, ClinGen allele CA672346066.
Genomic context (GRCh38, chr11:118,478,208, plus strand): 5'-TTGCTTAGATAAGCCCAAGTTTGGTGGTCGCAATATAAAGAAGCAGTGCTGCAAGTAAGT[G>A]GGTGTTTCACTCTGAGATGTTGACCTCTCAACCATAAAGGTTGCTTATTTATCCCTAGTT-3'